The following is an entry in ClinVar:

NM_000179.3(MSH6):c.3131A>T (p.Tyr1044Phe)

Gene: MSH6 (mutS homolog 6; plus strand). Cytogenetic location: 2p16.3.
Variant type: single nucleotide variant.
Coding change: c.3131A>T on transcript NM_000179.3 (MANE Select); coding-DNA position 3131, A replaced by T.
Protein change: p.Tyr1044Phe; replaces tyrosine 1044 with phenylalanine.
Molecular consequence: missense variant.
Genome position (GRCh38, 1-based): chr2:47,801,114, A>T. VCF-style: chr2-47801114-A-T. GRCh37 (hg19) VCF-style: chr2-48028253-A-T.
Other names: c.2741A>T, p.Tyr914Phe (NM_001281492.2); c.2225A>T, p.Tyr742Phe (NM_001281493.2, NM_001281494.2); short protein forms Y1044F, Y742F, Y914F.
Identifiers: ClinVar variation 1396278 (VCV001396278.6), dbSNP rs1553414541, ClinGen allele CA346756665.

ClinVar aggregate classification (germline): Uncertain significance (1 of 4 stars; one submission).

Conditions:
Hereditary nonpolyposis colorectal neoplasms. Identifiers: MedGen C0009405, MeSH D003123.

Submission:

Labcorp Genetics (formerly Invitae), Labcorp
Classification: Uncertain significance for Hereditary nonpolyposis colorectal neoplasms. Last evaluated: 2021-12-03. Review status: criteria provided, single submitter. Criteria: Invitae Variant Classification Sherloc (09022015). Collection method: clinical testing. Allele origin: germline.
Comment: In summary, the available evidence is currently insufficient to determine the role of this variant in disease. Therefore, it has been classified as a Variant of Uncertain Significance. Advanced modeling of protein sequence and biophysical properties (such as structural, functional, and spatial information, amino acid conservation, physicochemical variation, residue mobility, and thermodynamic stability) performed at Invitae indicates that this missense variant is not expected to disrupt MSH6 protein function. This variant has not been reported in the literature in individuals affected with MSH6-related conditions. This variant is not present in population databases (gnomAD no frequency). This sequence change replaces tyrosine, which is neutral and polar, with phenylalanine, which is neutral and non-polar, at codon 1044 of the MSH6 protein (p.Tyr1044Phe).